The following is an entry in ClinVar:

NM_000255.4(MMUT):c.2159A>T (p.Asn720Ile)

Gene: MMUT (methylmalonyl-CoA mutase; minus strand). Cytogenetic location: 6p12.3.
Variant type: single nucleotide variant.
Coding change: c.2159A>T on transcript NM_000255.4 (MANE Select); coding-DNA position 2159, A replaced by T.
Protein change: p.Asn720Ile; replaces asparagine 720 with isoleucine.
Molecular consequence: missense variant.
Genome position (GRCh38, 1-based): chr6:49,431,822, T>A on the plus strand (A>T on the coding strand, the complement: MMUT is on the minus strand). VCF-style: chr6-49431822-T-A. GRCh37 (hg19) VCF-style: chr6-49399535-T-A.
Other names: short protein forms N720I.
Identifiers: ClinVar variation 1413059 (VCV001413059.8), dbSNP rs1170712107, ClinGen allele CA364583014.

ClinVar aggregate classification (germline): Uncertain significance (1 of 4 stars; one submission).

gnomAD v4.1: 1 of 1,613,804 alleles (0.000062%); highest among the groups gnomAD compares: Non-Finnish European, 0.000085%; no homozygotes.

Submission:

Labcorp Genetics (formerly Invitae), Labcorp
Classification: Uncertain significance. Last evaluated: 2022-08-31. Review status: criteria provided, single submitter. Criteria: Invitae Variant Classification Sherloc (09022015). Collection method: clinical testing. Allele origin: germline.
Comment: In summary, the available evidence is currently insufficient to determine the role of this variant in disease. Therefore, it has been classified as a Variant of Uncertain Significance. Algorithms developed to predict the effect of missense changes on protein structure and function (SIFT, PolyPhen-2, Align-GVGD) all suggest that this variant is likely to be tolerated. ClinVar contains an entry for this variant (Variation ID: 1413059). This variant has not been reported in the literature in individuals affected with MUT-related conditions. This variant is not present in population databases (gnomAD no frequency). This sequence change replaces asparagine, which is neutral and polar, with isoleucine, which is neutral and non-polar, at codon 720 of the MUT protein (p.Asn720Ile).